The following is an entry in ClinVar:

NM_001367624.2(ZNF469):c.3131G>A (p.Gly1044Asp)

Genes: ZNF469 (zinc finger protein 469; plus strand), LOC130059718 (ATAC-STARR-seq lymphoblastoid silent region 7847; plus strand). Cytogenetic location: 16q24.2.
Variant type: single nucleotide variant.
Coding change: c.3131G>A on transcript NM_001367624.2 (MANE Select); coding-DNA position 3131, G replaced by A.
Protein change: p.Gly1044Asp; replaces glycine 1044 with aspartic acid.
Molecular consequence: missense variant.
Genome position (GRCh38, 1-based): chr16:88,430,601, G>A. VCF-style: chr16-88430601-G-A. GRCh37 (hg19) VCF-style: chr16-88497009-G-A.
Other names: NM_001127464.1:c.3131G>A; short protein forms G1044D.
Identifiers: ClinVar variation 2626110 (VCV002626110.2), dbSNP rs1445933905, ClinGen allele CA397077727.

ClinVar aggregate classification (germline): Uncertain significance (1 of 4 stars; one submission).

Conditions:
Cardiovascular phenotype. Identifiers: MedGen CN230736.

Allele frequency attached by ClinVar (database versions not stated): gnomAD exomes 0.00001; TOPMed 0.00002.
gnomAD v4.1: 15 of 1,500,658 alleles (0.001%); highest among the groups gnomAD compares: East Asian, 0.0027%; no homozygotes.

Submission:

Ambry Genetics
Classification: Uncertain significance for Cardiovascular phenotype. Last evaluated: 2023-06-28. Review status: criteria provided, single submitter. Criteria: Ambry Variant Classification Scheme 2023. Collection method: clinical testing. Allele origin: germline.
Comment: The p.G1044D variant (also known as c.3131G>A), located in coding exon 1 of the ZNF469 gene, results from a G to A substitution at nucleotide position 3131. The glycine at codon 1044 is replaced by aspartic acid, an amino acid with similar properties. This amino acid position is conserved. In addition, the in silico prediction for this alteration is inconclusive. Since supporting evidence is limited at this time, the clinical significance of this alteration remains unclear.